The following is an entry in ClinVar:

NM_000038.6(APC):c.5265G>T (p.Ala1755=)

Gene: APC (APC regulator of Wnt signaling pathway; plus strand). Cytogenetic location: 5q22.2.
Variant type: single nucleotide variant.
Coding change: c.5265G>T on transcript NM_000038.6 (MANE Select); coding-DNA position 5265, G replaced by T.
Protein change: p.Ala1755=; no amino-acid change (alanine 1755 retained).
Molecular consequence: synonymous variant.
Genome position (GRCh38, 1-based): chr5:112,840,859, G>T. VCF-style: chr5-112840859-G-T. GRCh37 (hg19) VCF-style: chr5-112176556-G-T.
Other names: c.5265G>T, p.Ala1755= (NM_001127510.3, NM_001354895.2); c.5211G>T, p.Ala1737= (NM_001127511.3); c.5319G>T, p.Ala1773= (NM_001354896.2); c.5295G>T, p.Ala1765= (NM_001354897.2); c.5190G>T, p.Ala1730= (NM_001354898.2); c.5181G>T, p.Ala1727= (NM_001354899.2); c.5142G>T, p.Ala1714= (NM_001354900.2); c.5088G>T, p.Ala1696= (NM_001354901.2); and 5 more.
Identifiers: ClinVar variation 1114115 (VCV001114115.13), dbSNP rs34506289, ClinGen allele CA446209672.
Genomic context (GRCh38, chr5:112,840,859, plus strand): 5'-GAAAAGTCACAAGCCTTTCCGTGTGAAAAAGATAATGGACCAGGTCCAGCAAGCATCTGC[G>T]TCTTCTTCTGCACCCAACAAAAATCAGTTAGATGGTAAGAAAAAGAAACCAACTTCACCA-3'
Protein context (NP_000029.2, residues 1745-1765): KIMDQVQQAS[Ala1755=]SSSAPNKNQL

ClinVar aggregate classification (germline): Benign/Likely benign. Review status: criteria provided, multiple submitters, no conflicts (2 of 4 stars). 3 submissions from 3 submitters: Benign (1); Likely benign (2). Last evaluated 2025-06-04.

Conditions:
Hereditary cancer-predisposing syndrome. Also called: Hereditary neoplastic syndrome; Hereditary Cancer Syndrome; Neoplastic Syndromes, Hereditary; Tumor predisposition. Identifiers: Orphanet 140162, MedGen C0027672, MeSH D009386, MONDO:0015356.
Familial adenomatous polyposis 1 (FAP1). Also called: FAMILIAL ADENOMATOUS POLYPOSIS 1, ATTENUATED; POLYPOSIS, ADENOMATOUS INTESTINAL. Identifiers: MedGen C2713442, MONDO:0021056, OMIM 175100. Disease mechanism: loss of function.

Submissions (3):

Labcorp Genetics (formerly Invitae), Labcorp
Classification: Likely benign for Familial adenomatous polyposis 1. Last evaluated: 2025-06-04. Review status: criteria provided, single submitter. Criteria: Invitae Variant Classification Sherloc (09022015). Collection method: clinical testing. Allele origin: germline.

Myriad Genetics, Inc.
Classification: Benign for Familial adenomatous polyposis 1. Last evaluated: 2024-04-01. Review status: criteria provided, single submitter. Criteria: Myriad Autosomal Dominant, Autosomal Recessive and X-Linked Classification Criteria (2023). Collection method: clinical testing. Allele origin: unknown.
Comment: This variant is considered benign. This variant is a silent/synonymous amino acid change and it is not expected to impact splicing.

Ambry Genetics
Classification: Likely benign for Hereditary cancer-predisposing syndrome. Last evaluated: 2019-07-11. Review status: criteria provided, single submitter. Criteria: Ambry Variant Classification Scheme 2023. Collection method: clinical testing. Allele origin: germline.